The following is an entry in ClinVar:

NM_005334.3(HCFC1):c.4475C>G (p.Pro1492Arg)

Genes: HCFC1 (host cell factor C1; minus strand), LOC130068842 (ATAC-STARR-seq lymphoblastoid active region 30044; plus strand). Cytogenetic location: Xq28.
Variant type: single nucleotide variant.
Coding change: c.4475C>G on transcript NM_005334.3 (MANE Select); coding-DNA position 4475, C replaced by G.
Protein change: p.Pro1492Arg; replaces proline 1492 with arginine.
Molecular consequence: missense variant.
Genome position (GRCh38, 1-based): chrX:153,953,629, G>C on the plus strand (C>G on the coding strand, the complement: HCFC1 is on the minus strand). VCF-style: chrX-153953629-G-C. GRCh37 (hg19) VCF-style: chrX-153219080-G-C.
Other names: short protein forms P1492R.
Identifiers: ClinVar variation 373423 (VCV000373423.10), dbSNP rs782407440, ClinGen allele CA10556985.

ClinVar aggregate classification (germline): Conflicting classifications of pathogenicity. Review status: criteria provided, conflicting classifications (1 of 4 stars). 4 submissions from 4 submitters: Uncertain significance (3); Likely benign (1). Last evaluated 2024-10-29.

Conditions:
Methylmalonic acidemia with homocystinuria, type cblX (MAHCX). Also called: INTELLECTUAL DEVELOPMENTAL DISORDER, X-LINKED 3. Identifiers: Orphanet 369962, MedGen C0796208, MONDO:0010657, OMIM 309541.

Allele frequency attached by ClinVar (database versions not stated): ExAC 0.00001; TOPMed 0.00001; gnomAD exomes 0.00004.

Submissions (4):

Labcorp Genetics (formerly Invitae), Labcorp
Classification: Likely benign for Methylmalonic acidemia with homocystinuria, type cblX. Last evaluated: 2024-10-29. Review status: criteria provided, single submitter. Criteria: Invitae Variant Classification Sherloc (09022015). Collection method: clinical testing. Allele origin: germline.

Women's Health and Genetics/Laboratory Corporation of America, LabCorp
Classification: Uncertain significance. Last evaluated: 2024-06-11. Review status: criteria provided, single submitter. Criteria: LabCorp Variant Classification Summary - May 2015. Collection method: clinical testing. Allele origin: germline.
Comment: Variant summary: HCFC1 c.4475C>G (p.Pro1492Arg) results in a non-conservative amino acid change in the encoded protein sequence. Three of five in-silico tools predict a damaging effect of the variant on protein function. The variant allele was found at a frequency of 3.9e-05 in 178896 control chromosomes (gnomAD). The available data on variant occurrences in the general population are insufficient to allow any conclusion about variant significance. c.4475C>G has been reported in the literature in an individual affected with Methylmalonic Acidemia With Homocystinuria (Zhang_2019). These data do not allow any conclusion about variant significance. To our knowledge, no experimental evidence demonstrating an impact on protein function has been reported. The following publication has been ascertained in the context of this evaluation (PMID: 31998365). ClinVar contains an entry for this variant (Variation ID: 373423). Based on the evidence outlined above, the variant was classified as uncertain significance.

GeneDx
Classification: Uncertain significance. Last evaluated: 2016-12-06. Review status: criteria provided, single submitter. Criteria: GeneDx Variant Classification (06012015). Collection method: clinical testing. Allele origin: germline. Affected: yes.
Comment: The P1492R variant in the HCFC1 gene has not been reported previously as a pathogenic variant, nor as a benign variant, to our knowledge. The P1492R variant was not observed in approximately 6400 individuals of European and African American ancestry in the NHLBI Exome Sequencing Project, indicating it is not a common benign variant in these populations. The P1492R variant is a non-conservative amino acid substitution, which is likely to impact secondary protein structure as these residues differ in polarity, charge, size and/or other properties. This substitution occurs at a position that is conserved across species. In silico analysis predicts this variant is probably damaging to the protein structure/function. We interpret P1492R as a variant of uncertain significance.

Genetic Services Laboratory, University of Chicago
Classification: Uncertain significance. Last evaluated: 2015-12-09. Review status: criteria provided, single submitter. Criteria: ACMG Guidelines, 2015. Collection method: clinical testing. Allele origin: germline. Affected: no.

Literature cited by the submitters: PubMed 31998365 (cited by Women's Health and Genetics/Laboratory Corporation of America, LabCorp).